The following is an entry in ClinVar:

NM_173560.4(RFX6):c.2553G>T (p.Gln851His)

Gene: RFX6 (regulatory factor X6; plus strand). Cytogenetic location: 6q22.1.
Variant type: single nucleotide variant.
Coding change: c.2553G>T on transcript NM_173560.4 (MANE Select); coding-DNA position 2553, G replaced by T.
Protein change: p.Gln851His; replaces glutamine 851 with histidine.
Molecular consequence: missense variant.
Genome position (GRCh38, 1-based): chr6:116,928,913, G>T. VCF-style: chr6-116928913-G-T. GRCh37 (hg19) VCF-style: chr6-117250076-G-T.
Other names: short protein forms Q851H.
Identifiers: ClinVar variation 436532 (VCV000436532.14), dbSNP rs145117989, ClinGen allele CA3973571.

ClinVar aggregate classification (germline): Conflicting classifications of pathogenicity. Review status: criteria provided, conflicting classifications (1 of 4 stars). 4 submissions from 4 submitters: Uncertain significance (3); Likely benign (1). Last evaluated 2025-06-30.

Allele frequency attached by ClinVar (database versions not stated): 1000 Genomes Project 30x 0.00172; ExAC 0.00018; gnomAD exomes 0.00020 and 0.00007; ESP Exome Variant Server 0.00038; TOPMed 0.00065; gnomAD 0.00067 and 0.00070; 1000 Genomes Project 0.00140.
gnomAD v4.1: 216 of 1,613,868 alleles (0.013%); highest among the groups gnomAD compares: African/African-American, 0.21%; no homozygotes.

Submissions (4):

GeneDx
Classification: Uncertain significance. Last evaluated: 2025-06-30. Review status: criteria provided, single submitter. Criteria: GeneDx Variant Classification Process June 2021. Collection method: clinical testing. Allele origin: germline. Affected: yes.
Comment: In silico analysis suggests that this missense variant does not alter protein structure/function; Has not been previously published as pathogenic or benign to our knowledge

Labcorp Genetics (formerly Invitae), Labcorp
Classification: Likely benign. Last evaluated: 2025-05-12. Review status: criteria provided, single submitter. Criteria: Invitae Variant Classification Sherloc (09022015). Collection method: clinical testing. Allele origin: germline.

Blueprint Genetics
Classification: Uncertain significance. Last evaluated: 2024-07-30. Review status: criteria provided, single submitter. Criteria: ACMG Guidelines, 2015. Collection method: clinical testing. Allele origin: germline.

Genetic Services Laboratory, University of Chicago
Classification: Uncertain significance. Last evaluated: 2016-10-25. Review status: criteria provided, single submitter. Criteria: ACMG Guidelines, 2015. Collection method: clinical testing. Allele origin: germline. Affected: no.